The following is an entry in ClinVar:

NM_001367624.2(ZNF469):c.11593A>T (p.Asn3865Tyr)

Gene: ZNF469 (zinc finger protein 469; plus strand). Cytogenetic location: 16q24.2.
Variant type: single nucleotide variant.
Coding change: c.11593A>T on transcript NM_001367624.2 (MANE Select); coding-DNA position 11593, A replaced by T.
Protein change: p.Asn3865Tyr; replaces asparagine 3865 with tyrosine.
Molecular consequence: missense variant.
Genome position (GRCh38, 1-based): chr16:88,439,063, A>T. VCF-style: chr16-88439063-A-T. GRCh37 (hg19) VCF-style: chr16-88505471-A-T.
Other names: short protein forms N3865Y.
Identifiers: ClinVar variation 3768564 (VCV003768564.1).

ClinVar aggregate classification (germline): Uncertain significance (1 of 4 stars; one submission).

gnomAD v4.1: 1 of 1,550,396 alleles (0.000064%); highest among the groups gnomAD compares: Non-Finnish European, 0.000087%; no homozygotes.

Submission:

Women's Health and Genetics/Laboratory Corporation of America, LabCorp
Classification: Uncertain significance. Last evaluated: 2024-12-17. Review status: criteria provided, single submitter. Criteria: LabCorp Variant Classification Summary - May 2015. Collection method: clinical testing. Allele origin: germline.
Comment: Variant summary: ZNF469 c.11593A>T (p.Asn3865Tyr) results in a non-conservative amino acid change in the encoded protein sequence. Three of four in-silico tools predict a benign effect of the variant on protein function. The variant allele was found at a frequency of 6.5e-06 in 153936 control chromosomes (gnomAD). The available data on variant occurrences in the general population are insufficient to allow any conclusion about variant significance. To our knowledge, no occurrence of c.11593A>T in individuals affected with Brittle cornea syndrome 1 and no experimental evidence demonstrating its impact on protein function have been reported. No submitters have cited clinical-significance assessments for this variant to ClinVar. Based on the evidence outlined above, the variant was classified as uncertain significance.